The following is an entry in ClinVar:

ClinVar aggregate classification (germline): Uncertain significance (1 of 4 stars; one submission).

Conditions:
Inborn genetic diseases. Identifiers: MedGen C0950123, MeSH D030342.

gnomAD v4.1: 1 of 1,614,190 alleles (0.000062%); highest among the groups gnomAD compares: East Asian, 0.0022%; no homozygotes.

Submission:

Ambry Genetics
Classification: Uncertain significance for Inborn genetic diseases. Last evaluated: 2026-02-28. Review status: criteria provided, single submitter. Criteria: Ambry Variant Classification Scheme 2023. Collection method: clinical testing. Allele origin: germline.
Comment: The p.D282E variant (also known as c.846T>A), located in coding exon 7 of the RUNX1 gene, results from a T to A substitution at nucleotide position 846. The aspartic acid at codon 282 is replaced by glutamic acid, an amino acid with highly similar properties. This amino acid position is conserved. In addition, this alteration is predicted to be tolerated by in silico analysis. Based on the available evidence, the clinical significance of this variant remains unclear.

NM_001754.5(RUNX1):c.846T>A (p.Asp282Glu)

Gene: RUNX1 (RUNX family transcription factor 1; minus strand). Cytogenetic location: 21q22.12.
Variant type: single nucleotide variant.
Coding change: c.846T>A on transcript NM_001754.5 (MANE Select); coding-DNA position 846, T replaced by A.
Protein change: p.Asp282Glu; replaces aspartic acid 282 with glutamic acid.
Molecular consequence: missense variant.
Genome position (GRCh38, 1-based): chr21:34,799,422, A>T on the plus strand (T>A on the coding strand, the complement: RUNX1 is on the minus strand). VCF-style: chr21-34799422-A-T. GRCh37 (hg19) VCF-style: chr21-36171719-A-T.
Other names: c.765T>A, p.Asp255Glu (NM_001001890.3); short protein forms D255E, D282E.
Identifiers: ClinVar variation 4827456 (VCV004827456.1).